The following is an entry in ClinVar:

NM_000179.3(MSH6):c.2843_2846del (p.Glu948fs)

Gene: MSH6 (mutS homolog 6; plus strand). Cytogenetic location: 2p16.3.
Variant type: Deletion.
Coding change: c.2843_2846del on transcript NM_000179.3 (MANE Select); coding-DNA positions 2843 to 2846, 4 bases deleted (AACA; older notation c.2843_2846delAACA).
Protein change: p.Glu948fs; shifts the reading frame from glutamic acid 948.
Molecular consequence: frameshift variant. On other transcripts: non-coding transcript variant (5), intron variant (2).
Genome position (GRCh38, 1-based): chr2:47,800,826-47,800,829, AACA deleted. VCF-style (leftmost placement, unchanged base first): chr2-47800825-GAACA-G. GRCh37 (hg19) VCF-style: chr2-48027964-GAACA-G.
Other names: c.2453_2456del, p.Glu818fs (NM_001281492.2); c.1937_1940del, p.Glu646fs (NM_001281493.2, NM_001281494.2, NM_001406811.1 and 6 more transcripts); c.2939_2942del, p.Glu980fs (NM_001406795.1, NM_001406802.1); c.2843_2846del, p.Glu948fs (NM_001406796.1, NM_001406798.1, NM_001406800.1 and 2 more transcripts); c.2546_2549del, p.Glu849fs (NM_001406797.1, NM_001406801.1, NM_001406805.1 and 10 more transcripts); c.2318_2321del, p.Glu773fs (NM_001406799.1, NM_001406806.1, NM_001406807.1); c.2765_2768del, p.Glu922fs (NM_001406804.1); c.2849_2852del, p.Glu950fs (NM_001406813.1); and 4 more; short protein forms E263fs, E646fs, E849fs, E948fs, E950fs, E818fs, E922fs, E773fs.
Identifiers: ClinVar variation 2748403 (VCV002748403.3), dbSNP rs2530696907, ClinGen allele CA2697548133.

ClinVar aggregate classification (germline): Pathogenic (1 of 4 stars; one submission).

Conditions:
Hereditary nonpolyposis colorectal neoplasms. Identifiers: MedGen C0009405, MeSH D003123.

Submission:

Labcorp Genetics (formerly Invitae), Labcorp
Classification: Pathogenic for Hereditary nonpolyposis colorectal neoplasms. Last evaluated: 2024-07-29. Review status: criteria provided, single submitter. Criteria: Invitae Variant Classification Sherloc (09022015). Collection method: clinical testing. Allele origin: germline.
Comment: This sequence change creates a premature translational stop signal (p.Glu948Glyfs*7) in the MSH6 gene. It is expected to result in an absent or disrupted protein product. Loss-of-function variants in MSH6 are known to be pathogenic (PMID: 18269114, 24362816). This variant is not present in population databases (gnomAD no frequency). This variant has not been reported in the literature in individuals affected with MSH6-related conditions. For these reasons, this variant has been classified as Pathogenic.

Literature cited by the submitters: PubMed 18269114; PubMed 24362816.